The following is an entry in ClinVar:

ClinVar aggregate classification (germline): Benign. Review status: criteria provided, multiple submitters, no conflicts (2 of 4 stars). 7 submissions from 7 submitters: Benign (6). 1 of the submissions does not count toward it. Last evaluated 2026-02-01.

Conditions:
Familial infantile myasthenia (CMS6). Also called: MYASTHENIC SYNDROME, PRESYNAPTIC, CONGENITAL, ASSOCIATED WITH EPISODIC APNEA; MYASTHENIC SYNDROME, CONGENITAL, 6, PRESYNAPTIC; Congenital myasthenic syndrome type 6. Identifiers: Orphanet 590, MedGen C0393929, MONDO:0009689, OMIM 254210.

Allele frequency attached by ClinVar (database versions not stated): TOPMed 0.00238; ESP Exome Variant Server 0.00254; ExAC 0.00369; 1000 Genomes Project 30x 0.00375; gnomAD exomes 0.00381 and 0.00444; 1000 Genomes Project 0.00419; gnomAD 0.00813 and 0.00824.
gnomAD v4.1: 5,869 of 1,262,450 alleles (0.46%); highest among the groups gnomAD compares: East Asian, 1.5%; 21 homozygotes.

Submissions (7):

Labcorp Genetics (formerly Invitae), Labcorp
Classification: Benign for Familial infantile myasthenia. Last evaluated: 2026-02-01. Review status: criteria provided, single submitter. Criteria: Invitae Variant Classification Sherloc (09022015). Collection method: clinical testing. Allele origin: germline.

Mayo Clinic Laboratories, Mayo Clinic
Classification: Benign. Last evaluated: 2025-06-02. Review status: criteria provided, single submitter. Criteria: ACMG Guidelines, 2015. Collection method: clinical testing. Allele origin: germline. Observed: 7 variant alleles.
Comment: BS1, BS2, BP4_moderate

CeGaT Center for Human Genetics Tuebingen
Classification: Benign. Last evaluated: 2022-09-01. Review status: criteria provided, single submitter. Criteria: CeGaT Center For Human Genetics Tuebingen Variant Classification Criteria Version 2. Collection method: clinical testing. Allele origin: germline. Affected: yes. Observed: 1 variant allele.
Comment: CHAT: BP4, BS1, BS2

GeneDx
Classification: Benign. Last evaluated: 2019-05-14. Review status: criteria provided, single submitter. Criteria: GeneDx Variant Classification Process June 2021. Collection method: clinical testing. Allele origin: germline. Affected: yes.

Breakthrough Genomics
Classification: Benign. Review status: criteria provided, single submitter. Criteria: ACMG Guidelines, 2015. Collection method: not provided. Allele origin: germline. Inheritance: Autosomal recessive inheritance. Affected: yes.

PreventionGenetics, part of Exact Sciences
Classification: Benign. Review status: criteria provided, single submitter. Criteria: ACMG Guidelines, 2015. Collection method: clinical testing. Allele origin: germline.

Genetic Services Laboratory, University of Chicago
Classification: Likely benign for AllHighlyPenetrant. Review status: no assertion criteria provided. Collection method: clinical testing. Allele origin: germline. Inheritance: Autosomal recessive inheritance. Not counted in ClinVar's aggregate classification.
Comment: Likely benign based on allele frequency in 1000 Genomes Project or ESP global frequency and its presence in a patient with a rare or unrelated disease phenotype. NOT Sanger confirmed.

NM_020549.5(CHAT):c.711C>G (p.Ser237Arg)

Gene: CHAT (choline O-acetyltransferase; plus strand). Cytogenetic location: 10q11.23.
Variant type: single nucleotide variant.
Coding change: c.711C>G on transcript NM_020549.5 (MANE Select); coding-DNA position 711, C replaced by G.
Protein change: p.Ser237Arg; replaces serine 237 with arginine.
Molecular consequence: missense variant.
Genome position (GRCh38, 1-based): chr10:49,622,109, C>G. VCF-style: chr10-49622109-C-G. GRCh37 (hg19) VCF-style: chr10-50830155-C-G.
Other names: p.Ser237Arg; c.357C>G, p.Ser119Arg (NM_001142929.2, NM_001142934.2, NM_020984.4 and 2 more transcripts); c.465C>G, p.Ser155Arg (NM_001142933.2); short protein forms S119R, S237R, S155R.
Identifiers: ClinVar variation 128725 (VCV000128725.45), dbSNP rs78925077, ClinGen allele CA152355.